The following is an entry in ClinVar:

NM_006005.3(WFS1):c.745G>A (p.Glu249Lys)

Gene: WFS1 (wolframin ER transmembrane glycoprotein; plus strand). Cytogenetic location: 4p16.1.
Variant type: single nucleotide variant.
Coding change: c.745G>A on transcript NM_006005.3 (MANE Select); coding-DNA position 745, G replaced by A.
Protein change: p.Glu249Lys; replaces glutamic acid 249 with lysine.
Molecular consequence: missense variant.
Genome position (GRCh38, 1-based): chr4:6,295,073, G>A. VCF-style: chr4-6295073-G-A. GRCh37 (hg19) VCF-style: chr4-6296800-G-A.
Other names: c.745G>A, p.Glu249Lys (NM_001145853.1); short protein forms E249K.
Identifiers: ClinVar variation 2866513 (VCV002866513.3), dbSNP rs2109119517, ClinGen allele CA356172447.

ClinVar aggregate classification (germline): Uncertain significance (1 of 4 stars; one submission).

Submission:

Labcorp Genetics (formerly Invitae), Labcorp
Classification: Uncertain significance. Last evaluated: 2025-03-17. Review status: criteria provided, single submitter. Criteria: Invitae Variant Classification Sherloc (09022015). Collection method: clinical testing. Allele origin: germline.
Comment: This sequence change replaces glutamic acid, which is acidic and polar, with lysine, which is basic and polar, at codon 249 of the WFS1 protein (p.Glu249Lys). This variant is not present in population databases (gnomAD no frequency). This variant has not been reported in the literature in individuals affected with WFS1-related conditions. ClinVar contains an entry for this variant (Variation ID: 2866513). Invitae Evidence Modeling of protein sequence and biophysical properties (such as structural, functional, and spatial information, amino acid conservation, physicochemical variation, residue mobility, and thermodynamic stability) indicates that this missense variant is not expected to disrupt WFS1 protein function with a negative predictive value of 95%. In summary, the available evidence is currently insufficient to determine the role of this variant in disease. Therefore, it has been classified as a Variant of Uncertain Significance.